The following is an entry in ClinVar:

NM_003560.4(PLA2G6):c.1772G>C (p.Arg591Pro)

Gene: PLA2G6 (phospholipase A2 group VI; minus strand). Cytogenetic location: 22q13.1.
Variant type: single nucleotide variant.
Coding change: c.1772G>C on transcript NM_003560.4 (MANE Select); coding-DNA position 1772, G replaced by C.
Protein change: p.Arg591Pro; replaces arginine 591 with proline.
Molecular consequence: missense variant.
Genome position (GRCh38, 1-based): chr22:38,116,182, C>G on the plus strand (G>C on the coding strand, the complement: PLA2G6 is on the minus strand). VCF-style: chr22-38116182-C-G. GRCh37 (hg19) VCF-style: chr22-38512189-C-G.
Other names: c.1610G>C, p.Arg537Pro (NM_001004426.3, NM_001199562.3, NM_001349865.2 and 1 more transcripts); c.1772G>C, p.Arg591Pro (NM_001349864.2); c.1238G>C, p.Arg413Pro (NM_001349867.2); c.1094G>C, p.Arg365Pro (NM_001349868.2); c.1076G>C, p.Arg359Pro (NM_001349869.2); short protein forms R359P, R365P, R413P, R537P, R591P.
Identifiers: ClinVar variation 4533292 (VCV004533292.2).

ClinVar aggregate classification (germline): Conflicting classifications of pathogenicity. Review status: criteria provided, conflicting classifications (1 of 4 stars). 2 submissions from 2 submitters: Likely pathogenic (1); Uncertain significance (1). Last evaluated 2025-10-08.

Conditions:
Infantile neuroaxonal dystrophy (NBIA2A). Also called: NEURODEGENERATION WITH BRAIN IRON ACCUMULATION 2A; SEITELBERGER DISEASE; Infantile neuroaxonal dystrophy 1. Identifiers: Orphanet 35069, MedGen C0270724, MONDO:0024457, OMIM 256600.

Submissions (2):

Diagnostics Services (NGS), CSIR - Centre For Cellular And Molecular Biology
Classification: Likely pathogenic for Infantile neuroaxonal dystrophy. Last evaluated: 2025-10-08. Review status: criteria provided, single submitter. Criteria: ACMG Guidelines, 2015. Collection method: clinical testing. Allele origin: germline. Affected: yes. Observed: 1 variant allele, 1 homozygote.
Comment: The c.1772G>C variant is not present in publicly available population databases like 1000 Genomes, EVS, gnomAD, Indian Exome Database and our internal database. The variant has neither been observed in affected individuals for PLA2G6-related conditions nor reported to clinical databases like Human Genome Mutation Database (HGMD), ClinVar, or OMIM, in any affected individuals. In-silico pathogenicity prediction programs like Polyphen-2, MutationTaster2021, CADD, Varsome, Franklin etc predicted this variant to be likely deleterious however these predictions were not confirmed by published functional studies. This variant is present in a mutational hotspot region of the gene and different amino acid changes in the same codon (Arg591Gln, Arg591Trp, Arg591Leu) has been previously observed in affected individuals, published in literature several times and reported to the clinical databases as ‘Pathogenic / Likely Pathogenic’ by multiple submitters. This variant has been classified as Likely Pathogenic following PM1, PM2, PM5, PP3 criteria of ACMG guidelines.

Blueprint Genetics
Classification: Uncertain significance. Last evaluated: 2022-04-27. Review status: criteria provided, single submitter. Criteria: ACMG Guidelines, 2015. Collection method: clinical testing. Allele origin: germline.